The following is an entry in ClinVar:

NM_016169.4(SUFU):c.1272C>G (p.Tyr424Ter)

Gene: SUFU (SUFU negative regulator of hedgehog signaling; plus strand). Cytogenetic location: 10q24.32.
Variant type: single nucleotide variant.
Coding change: c.1272C>G on transcript NM_016169.4 (MANE Select); coding-DNA position 1272, C replaced by G.
Protein change: p.Tyr424Ter; replaces tyrosine 424 with a stop codon.
Molecular consequence: nonsense.
Genome position (GRCh38, 1-based): chr10:102,617,404, C>G. VCF-style: chr10-102617404-C-G. GRCh37 (hg19) VCF-style: chr10-104377161-C-G.
Other names: c.1272C>G, p.Tyr424Ter (NM_001178133.2); short protein forms Y424*.
Identifiers: ClinVar variation 3226862 (VCV003226862.1), dbSNP rs771084342, ClinGen allele CA377916669.

ClinVar aggregate classification (germline): Pathogenic (1 of 4 stars; one submission).

Conditions:
Hereditary cancer-predisposing syndrome. Also called: Neoplastic Syndromes, Hereditary; Tumor predisposition; Hereditary neoplastic syndrome; Hereditary Cancer Syndrome. Identifiers: Orphanet 140162, MedGen C0027672, MeSH D009386, MONDO:0015356.

Submission:

Ambry Genetics
Classification: Pathogenic for Hereditary cancer-predisposing syndrome. Last evaluated: 2024-01-22. Review status: criteria provided, single submitter. Criteria: Ambry Variant Classification Scheme 2023. Collection method: clinical testing. Allele origin: germline.
Comment: The p.Y424* pathogenic mutation (also known as c.1272C>G), located in coding exon 10 of the SUFU gene, results from a C to G substitution at nucleotide position 1272. This changes the amino acid from a tyrosine to a stop codon within coding exon 10. This alteration has been observed in several individuals with a personal and/ or family history of medulloblastoma, some of whom had other SUFU-related features (Gong J et al. J Cancer Res Clin Oncol. 2023 Sep;149:8791-8802; Ambry internal data). This variant is considered to be rare based on population cohorts in the Genome Aggregation Database (gnomAD). This alteration is expected to result in loss of function by premature protein truncation or nonsense-mediated mRNA decay. As such, this alteration is interpreted as a disease-causing mutation.

Literature cited by the submitters: PubMed 37140698.